The following is an entry in ClinVar:

ClinVar aggregate classification (germline): Likely benign (1 of 4 stars; one submission).

Conditions:
Leigh syndrome (NULS). Also called: Leigh's necrotizing encephalopathy; Leigh's disease; Leigh Syndrome (mtDNA deletion); Leigh Disease; Subacute necrotizing encephalopathy; Necrotizing encephalopathy infantile subacute of Leigh. Identifiers: Orphanet 506, MedGen C2931891, MONDO:0009723, OMIM 256000.

Submission:

Wong Mito Lab, Molecular and Human Genetics, Baylor College of Medicine
Classification: Likely benign for Leigh syndrome. Last evaluated: 2019-10-17. Review status: criteria provided, single submitter. Criteria: Modified ACMG Guidelines (Unpublished). Collection method: clinical testing. Allele origin: germline.
Comment: The NC_012920.1:m.5298A>G (YP_003024027.1:p.Ile277Val) variant in MTND2 gene is interpretated to be a Likely Benign variant based on the modified ACMG guidelines (unpublished). This variant meets the following evidence codes: BS1, BP4

NC_012920.1(MT-ND2):m.5298A>G

Gene: MT-ND2 (mitochondrially encoded NADH dehydrogenase 2; plus strand).
Variant type: single nucleotide variant.
Genome position: chrM-5298-A-G.
Identifiers: ClinVar variation 692571 (VCV000692571.1), dbSNP rs1603219886, ClinGen allele CA414779729.